The following is an entry in ClinVar:

NM_000088.4(COL1A1):c.1300-12dup

Gene: COL1A1 (collagen type I alpha 1 chain; minus strand). Cytogenetic location: 17q21.33.
Variant type: Duplication.
Coding change: c.1300-12dup on transcript NM_000088.4 (MANE Select); 12 bases into the intron before coding-DNA position 1300, one base duplicated (C; older notation c.1300-12dupC).
Molecular consequence: intron variant.
Genome position (GRCh38, 1-based): chr17:50,195,107, G duplicated on the plus strand (C on the coding strand, the reverse complement: COL1A1 is on the minus strand); the first of 6 consecutive G bases (chr17:50,195,107-50,195,112); duplicating any one gives the same sequence. VCF-style (leftmost placement, unchanged base first): chr17-50195106-A-AG. GRCh37 (hg19) VCF-style: chr17-48272467-A-AG.
Other names: p.?; c.1300-7dupC (NM_000088.4, NM_000088.3).
Identifiers: ClinVar variation 1169689 (VCV001169689.19), dbSNP rs776544779, ClinGen allele CA8645291.

ClinVar aggregate classification (germline): Benign/Likely benign. Review status: criteria provided, multiple submitters, no conflicts (2 of 4 stars). 7 submissions from 7 submitters: Benign (2); Likely benign (5). Last evaluated 2026-01-27.

Conditions:
Osteogenesis imperfecta type I (OI1). Also called: Osteogenesis imperfecta type 1; Lobstein's Disease; Lobstein disease; OI, TYPE I; OSTEOGENESIS IMPERFECTA TARDA; OSTEOGENESIS IMPERFECTA WITH BLUE SCLERAE. Identifiers: Orphanet 216796, Orphanet 666, MedGen C0023931, MONDO:0008146, OMIM 166200. Disease mechanism: loss of function.
COL1A1-related disorder. Also called: COL1A1- related disease; COL1A1-related condition.

Submissions (7):

Women's Health and Genetics/Laboratory Corporation of America, LabCorp
Classification: Benign. Last evaluated: 2026-01-27. Review status: criteria provided, single submitter. Criteria: LabCorp Variant Classification Summary - May 2015. Collection method: clinical testing. Allele origin: germline.
Comment: Variant summary: COL1A1 c.1300-7dupC alters a nucleotide located at a position not widely known to affect splicing. Consensus agreement among computation tools predict no significant impact on normal splicing. However, these predictions have yet to be confirmed by functional studies. The variant allele was found at a frequency of 7.2e-05 in 250726 control chromosomes. The observed variant frequency exceeds the estimated maximal expected allele frequency for disease-causing variants in COL1A1. To our knowledge, no occurrence of c.1300-7dupC in individuals affected with COL1A1-related conditions and no experimental evidence demonstrating its impact on protein function have been reported. ClinVar contains an entry for this variant (Variation ID: 1169689). Based on the evidence outlined above, the variant was classified as benign.

Labcorp Genetics (formerly Invitae), Labcorp
Classification: Benign for Osteogenesis imperfecta type I. Last evaluated: 2026-01-08. Review status: criteria provided, single submitter. Criteria: Invitae Variant Classification Sherloc (09022015). Collection method: clinical testing. Allele origin: germline.

Mayo Clinic Laboratories, Mayo Clinic
Classification: Likely benign. Last evaluated: 2025-10-21. Review status: criteria provided, single submitter. Criteria: ACMG Guidelines, 2015. Collection method: clinical testing. Allele origin: germline. Observed: 2 variant alleles.
Comment: BS1, BP4, BP7

PreventionGenetics, part of Exact Sciences
Classification: Likely benign for COL1A1-related condition. Last evaluated: 2025-05-09. Review status: criteria provided, single submitter. Criteria: ACMG Guidelines, 2015. Collection method: clinical testing. Allele origin: germline.
Comment: This variant is classified as likely benign based on ACMG/AMP sequence variant interpretation guidelines (Richards et al. 2015 PMID: 25741868, with internal and published modifications).

ARUP Laboratories, Molecular Genetics and Genomics, ARUP Laboratories
Classification: Likely benign. Last evaluated: 2025-01-29. Review status: criteria provided, single submitter. Criteria: ARUP Molecular Germline Variant Investigation Process 2024. Collection method: clinical testing. Allele origin: germline.

Blueprint Genetics
Classification: Likely benign. Last evaluated: 2023-11-24. Review status: criteria provided, single submitter. Criteria: ACMG Guidelines, 2015. Collection method: clinical testing. Allele origin: germline.

GeneDx
Classification: Likely benign. Last evaluated: 2022-03-29. Review status: criteria provided, single submitter. Criteria: GeneDx Variant Classification Process June 2021. Collection method: clinical testing. Allele origin: germline. Affected: yes.